The following is an entry in ClinVar:

NM_014712.3(SETD1A):c.2440A>G (p.Met814Val)

Gene: SETD1A (SET domain containing 1A, histone lysine methyltransferase; plus strand). Cytogenetic location: 16p11.2.
Variant type: single nucleotide variant.
Coding change: c.2440A>G on transcript NM_014712.3 (MANE Select); coding-DNA position 2440, A replaced by G.
Protein change: p.Met814Val; replaces methionine 814 with valine.
Molecular consequence: missense variant.
Genome position (GRCh38, 1-based): chr16:30,966,321, A>G. VCF-style: chr16-30966321-A-G. GRCh37 (hg19) VCF-style: chr16-30977642-A-G.
Other names: c.2440A>G (NM_014712.1); short protein forms M814V.
Identifiers: ClinVar variation 2637521 (VCV002637521.2), dbSNP rs954009958, ClinGen allele CA280537354.

ClinVar aggregate classification (germline): Conflicting classifications of pathogenicity. Review status: criteria provided, conflicting classifications (1 of 4 stars). 2 submissions from 2 submitters: Likely pathogenic (1); Uncertain significance (1). Last evaluated 2025-05-23.

Allele frequency attached by ClinVar (database versions not stated): TOPMed 0.00001; gnomAD exomes 0.00001.

Submissions (2):

GeneDx
Classification: Likely pathogenic. Last evaluated: 2025-05-23. Review status: criteria provided, single submitter. Criteria: GeneDx Variant Classification Process June 2021. Collection method: clinical testing. Allele origin: germline. Affected: yes.
Comment: Not observed at significant frequency in large population cohorts (gnomAD); In silico analysis supports that this missense variant has a deleterious effect on protein structure/function; Has not been previously published as pathogenic or benign to our knowledge

Women's Health and Genetics/Laboratory Corporation of America, LabCorp
Classification: Uncertain significance. Last evaluated: 2023-10-03. Review status: criteria provided, single submitter. Criteria: LabCorp Variant Classification Summary - May 2015. Collection method: clinical testing. Allele origin: germline.
Comment: Variant summary: SETD1A c.2440A>G (p.Met814Val) results in a conservative amino acid change in the encoded protein sequence. Four of five in-silico tools predict a damaging effect of the variant on protein function. The variant was absent in 247082 control chromosomes (gnomAD). The available data on variant occurrences in the general population are insufficient to allow any conclusion about variant significance. To our knowledge, no occurrence of c.2440A>G in individuals affected with Neurodevelopmental Disorder With Speech Impairment And Dysmorphic Facies and no experimental evidence demonstrating its impact on protein function have been reported. No submitters have cited clinical-significance assessments for this variant to ClinVar after 2014. Based on the evidence outlined above, the variant was classified as uncertain significance.